The following is an entry in ClinVar:

ClinVar aggregate classification (germline): Uncertain significance (1 of 4 stars; one submission).

Allele frequency attached by ClinVar (database versions not stated): TOPMed 0.00002; ExAC 0.00003; gnomAD 0.00003; ESP Exome Variant Server 0.00008.
gnomAD v4.1: 49 of 1,613,616 alleles (0.003%); highest among the groups gnomAD compares: East Asian, 0.0089%; no homozygotes.

Submission:

Labcorp Genetics (formerly Invitae), Labcorp
Classification: Uncertain significance. Last evaluated: 2025-11-25. Review status: criteria provided, single submitter. Criteria: Invitae Variant Classification Sherloc (09022015). Collection method: clinical testing. Allele origin: germline.
Comment: This sequence change replaces arginine, which is basic and polar, with glutamine, which is neutral and polar, at codon 705 of the STAT4 protein (p.Arg705Gln). This variant is present in population databases (rs370218298, gnomAD 0.02%). This variant has not been reported in the literature in individuals affected with STAT4-related conditions. ClinVar contains an entry for this variant (Variation ID: 2180503). An algorithm developed to predict the effect of missense changes on protein structure and function (PolyPhen-2) suggests that this variant is likely to be tolerated. In summary, the available evidence is currently insufficient to determine the role of this variant in disease. Therefore, it has been classified as a Variant of Uncertain Significance.

NM_003151.4(STAT4):c.2114G>A (p.Arg705Gln)

Genes: STAT4 (signal transducer and activator of transcription 4; minus strand), STAT4-AS1 (STAT4 antisense RNA 1; plus strand). Cytogenetic location: 2q32.2.
Variant type: single nucleotide variant.
Coding change: c.2114G>A on transcript NM_003151.4 (MANE Select); coding-DNA position 2114, G replaced by A.
Protein change: p.Arg705Gln; replaces arginine 705 with glutamine.
Molecular consequence: missense variant. On other transcripts: non-coding transcript variant (1).
Genome position (GRCh38, 1-based): chr2:191,031,078, C>T on the plus strand (G>A on the coding strand, the complement: STAT4 is on the minus strand). VCF-style: chr2-191031078-C-T. GRCh37 (hg19) VCF-style: chr2-191895804-C-T.
Other names: c.2114G>A, p.Arg705Gln (NM_001243835.2); short protein forms R705Q.
Identifiers: ClinVar variation 2180503 (VCV002180503.4), dbSNP rs370218298, ClinGen allele CA2030388.